The following is an entry in ClinVar:

ClinVar aggregate classification (germline): Uncertain significance. Review status: criteria provided, multiple submitters, no conflicts (2 of 4 stars). 2 submissions from 2 submitters: Uncertain significance (2). Last evaluated 2025-11-26.

Allele frequency attached by ClinVar (database versions not stated): gnomAD 0.00007; ExAC 0.00005; TOPMed 0.00008.
gnomAD v4.1: 115 of 1,613,914 alleles (0.0071%); highest among the groups gnomAD compares: Non-Finnish European, 0.0086%; no homozygotes.

Submissions (2):

Ambry Genetics
Classification: Uncertain significance. Last evaluated: 2025-11-26. Review status: criteria provided, single submitter. Criteria: Ambry Variant Classification Scheme 2023. Collection method: clinical testing. Allele origin: germline.

GeneDx
Classification: Uncertain significance. Last evaluated: 2024-05-21. Review status: criteria provided, single submitter. Criteria: GeneDx Variant Classification Process June 2021. Collection method: clinical testing. Allele origin: germline. Affected: yes.
Comment: In silico analysis supports that this missense variant has a deleterious effect on protein structure/function; Has not been previously published as pathogenic or benign to our knowledge

NM_001372106.1(DNAH10):c.8273T>C (p.Val2758Ala)

Gene: DNAH10 (dynein axonemal heavy chain 10; plus strand). Cytogenetic location: 12q24.31.
Variant type: single nucleotide variant.
Coding change: c.8273T>C on transcript NM_001372106.1 (MANE Select); coding-DNA position 8273, T replaced by C.
Protein change: p.Val2758Ala; replaces valine 2758 with alanine.
Molecular consequence: missense variant.
Genome position (GRCh38, 1-based): chr12:123,877,809, T>C. VCF-style: chr12-123877809-T-C. GRCh37 (hg19) VCF-style: chr12-124362356-T-C.
Other names: c.7919T>C, p.Val2640Ala (NM_001083900.1, NM_207437.3); short protein forms V2758A, V2640A.
Identifiers: ClinVar variation 3083484 (VCV003083484.3), dbSNP rs776663160, ClinGen allele CA6864736.
Genomic context (GRCh38, chr12:123,877,809, plus strand): 5'-GCATTGTGGCTGTGAGTGGCAAGCTGACATTCTGCACGCTAGCACTTTACAAAAATATTG[T>C]GCAAGACCTACCTCCCACTCCGTCAAAGTTCCATTACATCTTCAACCTTCGAGATCTCTC-3'
Protein context (NP_001359035.1, residues 2748-2768): FCTLALYKNI[Val2758Ala]QDLPPTPSKF